The following is an entry in ClinVar:

ClinVar aggregate classification (germline): Uncertain significance (1 of 4 stars; one submission).

Submission:

Labcorp Genetics (formerly Invitae), Labcorp
Classification: Uncertain significance. Last evaluated: 2025-03-06. Review status: criteria provided, single submitter. Criteria: Invitae Variant Classification Sherloc (09022015). Collection method: clinical testing. Allele origin: germline.
Comment: This sequence change replaces serine, which is neutral and polar, with leucine, which is neutral and non-polar, at codon 168 of the ALAD protein (p.Ser168Leu). This variant is not present in population databases (gnomAD no frequency). This variant has not been reported in the literature in individuals affected with ALAD-related conditions. Invitae Evidence Modeling of protein sequence and biophysical properties (such as structural, functional, and spatial information, amino acid conservation, physicochemical variation, residue mobility, and thermodynamic stability) indicates that this missense variant is expected to disrupt ALAD protein function with a positive predictive value of 80%. In summary, the available evidence is currently insufficient to determine the role of this variant in disease. Therefore, it has been classified as a Variant of Uncertain Significance.

NM_000031.6(ALAD):c.503C>T (p.Ser168Leu)

Gene: ALAD (aminolevulinate dehydratase; minus strand). Cytogenetic location: 9q32.
Variant type: single nucleotide variant.
Coding change: c.503C>T on transcript NM_000031.6 (MANE Select); coding-DNA position 503, C replaced by T.
Protein change: p.Ser168Leu; replaces serine 168 with leucine.
Molecular consequence: missense variant.
Genome position (GRCh38, 1-based): chr9:113,390,472, G>A on the plus strand (C>T on the coding strand, the complement: ALAD is on the minus strand). VCF-style: chr9-113390472-G-A. GRCh37 (hg19) VCF-style: chr9-116152752-G-A.
Other names: c.590C>T, p.Ser197Leu (NM_001003945.3); c.479C>T, p.Ser160Leu (NM_001317745.2); short protein forms S197L, S160L, S168L.
Identifiers: ClinVar variation 3712425 (VCV003712425.2).